The following is an entry in ClinVar:

ClinVar aggregate classification (germline): Uncertain significance (1 of 4 stars; one submission).

Conditions:
Papillary renal cell carcinoma type 1 (RCCP1). Also called: Renal adenocarcinoma; Renal cell carcinoma 1; Renal cell carcinoma, somatic; RENAL CELL CARCINOMA, PAPILLARY, 1, SOMATIC. Identifiers: Orphanet 47044, MedGen C1336839, OMIM 605074, HP:0011797.

Submission:

Labcorp Genetics (formerly Invitae), Labcorp
Classification: Uncertain significance for Renal cell carcinoma, papillary, 1. Last evaluated: 2018-04-11. Review status: criteria provided, single submitter. Criteria: Invitae Variant Classification Sherloc (09022015). Collection method: clinical testing. Allele origin: germline.
Comment: This variant results in a copy number gain of the genomic region encompassing the full coding sequence of the MET gene. The boundaries of this event are unknown as they extend beyond the assayed region for this gene and therefore may encompass additional genes. As the precise location of this event is unknown, it may be in tandem or it may be located elsewhere in the genome. This variant has not been reported in the literature in individuals with MET-related disease. In summary, the available evidence is currently insufficient to determine the role of this variant in disease. Therefore, it has been classified as a Variant of Uncertain Significance.

NC_000007.13:g.(?_116339129)_(117144427_?)dup

Genes: MIR6132 (microRNA 6132; plus strand), CAPZA2 (capping actin protein of muscle Z-line subunit alpha 2; plus strand), ASZ1 (ankyrin repeat, SAM and basic leucine zipper domain containing 1; minus strand), CFTR (CF transmembrane conductance regulator; plus strand), ST7-AS2 (ST7 antisense RNA 2; minus strand) and 42 more. Cytogenetic location: 7q31.2.
Variant type: Duplication.
Identifiers: ClinVar variation 583430 (VCV000583430.1).